The following is an entry in ClinVar:

ClinVar aggregate classification (germline): Uncertain significance (1 of 4 stars; one submission).

Conditions:
Aneurysm-osteoarthritis syndrome. Also called: LOEYS-DIETZ SYNDROME WITH OSTEOARTHRITIS; SMAD3-Related Loeys-Dietz Syndrome; ANEURYSMS-OSTEOARTHRITIS SYNDROME; Loeys-Dietz syndrome, type 1C. Identifiers: Orphanet 284984, MedGen C3151087, MONDO:0013426, OMIM 613795.

Submission:

All of Us Research Program, National Institutes of Health
Classification: Uncertain significance for Aneurysm-osteoarthritis syndrome. Last evaluated: 2024-04-16. Review status: criteria provided, single submitter. Criteria: ACMG Guidelines, 2015. Collection method: clinical testing. Allele origin: germline. Inheritance: Autosomal dominant inheritance. Observed: 1 variant allele, 1 heterozygote.
Comment: This missense variant replaces glutamic acid with aspartic acid at codon 361 of the SMAD3 protein. Computational prediction tools indicate that this variant has a deleterious impact on protein structure and function. To our knowledge, functional studies have not been reported for this variant. This variant has not been reported in individuals affected with SMAD3-related disorders in the literature. This variant has not been identified in the general population by the Genome Aggregation Database (gnomAD). The available evidence is insufficient to determine the role of this variant in disease conclusively. Therefore, this variant is classified as a Variant of Uncertain Significance.

This study involves interpretation of variants in research participants for the purpose of population health screening. Participant phenotype was not available at the time of variant classification. Additional details can be found in publication PMID: 35346344, PMCID: PMC8962531

NM_005902.4(SMAD3):c.1083G>C (p.Glu361Asp)

Gene: SMAD3 (SMAD family member 3; plus strand). Cytogenetic location: 15q22.33.
Variant type: single nucleotide variant.
Coding change: c.1083G>C on transcript NM_005902.4 (MANE Select); coding-DNA position 1083, G replaced by C.
Protein change: p.Glu361Asp; replaces glutamic acid 361 with aspartic acid.
Molecular consequence: missense variant.
Genome position (GRCh38, 1-based): chr15:67,187,438, G>C. VCF-style: chr15-67187438-G-C. GRCh37 (hg19) VCF-style: chr15-67479776-G-C.
Other names: c.768G>C, p.Glu256Asp (NM_001145102.2, NM_001407016.1); c.951G>C, p.Glu317Asp (NM_001145103.2, NM_001407012.1); c.498G>C, p.Glu166Asp (NM_001145104.2, NM_001407017.1); c.1194G>C, p.Glu398Asp (NM_001407011.1); c.945G>C, p.Glu315Asp (NM_001407013.1); c.936G>C, p.Glu312Asp (NM_001407014.1); c.636G>C, p.Glu212Asp (NM_001407015.1); short protein forms E166D, E212D, E256D, E312D, E315D, E317D, E361D, E398D.
Identifiers: ClinVar variation 3386020 (VCV003386020.1).